The following is an entry in ClinVar:

ClinVar aggregate classification (germline): Conflicting classifications of pathogenicity. Review status: criteria provided, conflicting classifications (1 of 4 stars). 2 submissions from 2 submitters: Uncertain significance (1); Likely benign (1). Last evaluated 2025-05-01.

Conditions:
Inborn genetic diseases. Identifiers: MedGen C0950123, MeSH D030342.
Baller-Gerold syndrome (BGS). Also called: CRANIOSYNOSTOSIS WITH RADIAL DEFECTS. Identifiers: Orphanet 1225, MedGen C0265308, MONDO:0009039, OMIM 218600.

Allele frequency attached by ClinVar (database versions not stated): gnomAD exomes below 0.00001; gnomAD 0.00001.
gnomAD v4.1: 3 of 1,612,560 alleles (0.00019%); highest among the groups gnomAD compares: Middle Eastern, 0.017%; no homozygotes.

Submissions (2):

Ambry Genetics
Classification: Likely benign for Inborn genetic diseases. Last evaluated: 2025-05-01. Review status: criteria provided, single submitter. Criteria: Ambry Variant Classification Scheme 2023. Collection method: clinical testing. Allele origin: germline.

Labcorp Genetics (formerly Invitae), Labcorp
Classification: Uncertain significance for Baller-Gerold syndrome. Last evaluated: 2023-07-17. Review status: criteria provided, single submitter. Criteria: Invitae Variant Classification Sherloc (09022015). Collection method: clinical testing. Allele origin: germline.
Comment: In summary, the available evidence is currently insufficient to determine the role of this variant in disease. Therefore, it has been classified as a Variant of Uncertain Significance. Advanced modeling of protein sequence and biophysical properties (such as structural, functional, and spatial information, amino acid conservation, physicochemical variation, residue mobility, and thermodynamic stability) performed at Invitae indicates that this missense variant is expected to disrupt RECQL4 protein function. ClinVar contains an entry for this variant (Variation ID: 934710). This variant has not been reported in the literature in individuals affected with RECQL4-related conditions. This variant is not present in population databases (gnomAD no frequency). This sequence change replaces alanine, which is neutral and non-polar, with threonine, which is neutral and polar, at codon 1199 of the RECQL4 protein (p.Ala1199Thr).

NM_004260.4(RECQL4):c.3595G>A (p.Ala1199Thr)

Gene: RECQL4 (RecQ like helicase 4; minus strand). Cytogenetic location: 8q24.3.
Variant type: single nucleotide variant.
Coding change: c.3595G>A on transcript NM_004260.4 (MANE Select); coding-DNA position 3595, G replaced by A.
Protein change: p.Ala1199Thr; replaces alanine 1199 with threonine.
Molecular consequence: missense variant.
Genome position (GRCh38, 1-based): chr8:144,511,463, C>T on the plus strand (G>A on the coding strand, the complement: RECQL4 is on the minus strand). VCF-style: chr8-144511463-C-T. GRCh37 (hg19) VCF-style: chr8-145736846-C-T.
Other names: short protein forms A1199T.
Identifiers: ClinVar variation 934710 (VCV000934710.7), dbSNP rs1586787093, ClinGen allele CA372665666.
Genomic context (GRCh38, chr8:144,511,463, plus strand): 5'-CTACCCGACATCCCCCAATGCAGTGCAGTCAGCGGGCCACCTGCAGGAGCTCTTCCGTGG[C>T]CAGGCCCACCAGGGCATGGAAGCTCAGGTGCAGGTATTTTCTCCAGAAGCGTCGGTCCTG-3'
Protein context (NP_004251.4, residues 1189-1208): HLSFHALVGL[Ala1199Thr]TEELLQVAR